The following is an entry in ClinVar:

NM_001005242.3(PKP2):c.980G>C (p.Gly327Ala)

Gene: PKP2 (plakophilin 2; minus strand). Cytogenetic location: 12p11.21.
Variant type: single nucleotide variant.
Coding change: c.980G>C on transcript NM_001005242.3 (MANE Select); coding-DNA position 980, G replaced by C.
Protein change: p.Gly327Ala; replaces glycine 327 with alanine.
Molecular consequence: missense variant.
Genome position (GRCh38, 1-based): chr12:32,877,900, C>G on the plus strand (G>C on the coding strand, the complement: PKP2 is on the minus strand). VCF-style: chr12-32877900-C-G. GRCh37 (hg19) VCF-style: chr12-33030834-C-G.
Other names: c.980G>C, p.Gly327Ala (NM_004572.4); short protein forms G327A.
Identifiers: ClinVar variation 926896 (VCV000926896.7), dbSNP rs759660796, ClinGen allele CA384361824.

ClinVar aggregate classification (germline): Uncertain significance. Review status: criteria provided, multiple submitters, no conflicts (2 of 4 stars). 2 submissions from 2 submitters: Uncertain significance (2). Last evaluated 2023-12-05.

Conditions:
Cardiovascular phenotype. Identifiers: MedGen CN230736.
Cardiomyopathy (CMYO). Also called: Cardiomyopathies. Identifiers: Orphanet 167848, MedGen C0878544, MONDO:0004994, HP:0001638. Inheritance: Various modes of inheritance.

Allele frequency attached by ClinVar (database versions not stated): TOPMed 0.00001.

Submissions (2):

Color Diagnostics, LLC DBA Color Health
Classification: Uncertain significance for Cardiomyopathy. Last evaluated: 2023-12-05. Review status: criteria provided, single submitter. Criteria: ACMG Guidelines, 2015. Collection method: clinical testing. Allele origin: germline.
Comment: This missense variant replaces glycine with alanine at codon 327 of the PKP2 protein. Computational prediction tools and conservation analyses suggest that this variant may not impact the protein function. Computational splicing tools suggest that this variant may not impact RNA splicing. To our knowledge, functional assays have not been performed for this variant nor has this variant been reported in individuals affected with cardiovascular disorders in the literature. This variant has been identified in 1/31404 chromosomes in the general population by the Genome Aggregation Database (gnomAD). Available evidence is insufficient to determine the role of this variant in disease conclusively. Therefore, this variant is classified as a Variant of Uncertain Significance.

Ambry Genetics
Classification: Uncertain significance for Cardiovascular phenotype. Last evaluated: 2022-12-25. Review status: criteria provided, single submitter. Criteria: Ambry Variant Classification Scheme 2023. Collection method: clinical testing. Allele origin: germline.
Comment: The p.G327A variant (also known as c.980G>C), located in coding exon 3 of the PKP2 gene, results from a G to C substitution at nucleotide position 980. The glycine at codon 327 is replaced by alanine, an amino acid with similar properties. This amino acid position is conserved. In addition, this alteration is predicted to be tolerated by in silico analysis. Since supporting evidence is limited at this time, the clinical significance of this alteration remains unclear.